The following is an entry in ClinVar:

ClinVar aggregate classification (germline): Uncertain significance (1 of 4 stars; one submission).

Submission:

Women's Health and Genetics/Laboratory Corporation of America, LabCorp
Classification: Uncertain significance. Last evaluated: 2025-05-05. Review status: criteria provided, single submitter. Criteria: LabCorp Variant Classification Summary - May 2015. Collection method: clinical testing. Allele origin: germline.
Comment: Variant summary: KANSL1 c.-17delC is located in the untranslated mRNA region upstream of the initiation codon. Consensus agreement among computation tools predicts no significant impact on normal splicing. However, these predictions have yet to be confirmed by functional studies. The variant allele was found at a frequency of 1.9e-06 in 1591804 control chromosomes (gnomAD v4.1). The available data on variant occurrences in the general population are insufficient to allow any conclusion about variant significance. To our knowledge, no occurrence of c.-17delC in individuals affected with Koolen-De Vries Syndrome and no experimental evidence demonstrating its impact on protein function have been reported. No submitters have cited clinical-significance assessments for this variant to ClinVar. Based on the evidence outlined above, the variant was classified as uncertain significance.

NM_015443.4(KANSL1):c.-17del

Gene: KANSL1 (KAT8 regulatory NSL complex subunit 1). Cytogenetic location: 17q21.31.
Variant type: Deletion.
Coding change: c.-17del on transcript NM_015443.4 (MANE Select); 17 bases upstream of the start codon, one base deleted.
Molecular consequence: 5 prime UTR variant. On other transcripts: intron variant (4).
Genome position: GRCh38 VCF-style: chr17-46172159-AG-A. GRCh37 (hg19) VCF-style: chr17-44249525-AG-A.
Other names: c.-17del (NM_001193465.2, NM_001193466.2, NM_001379198.1 and 18 more transcripts); c.23+51511del (NM_001405885.1, NM_001405884.1, NM_001405883.1 and 1 more transcripts); c.-17delC (NM_001193466.2).
Identifiers: ClinVar variation 3902521 (VCV003902521.1).